The following is an entry in ClinVar:

NM_004092.4(ECHS1):c.713C>T (p.Ala238Val)

Gene: ECHS1 (enoyl-CoA hydratase, short chain 1; minus strand). Cytogenetic location: 10q26.3.
Variant type: single nucleotide variant.
Coding change: c.713C>T on transcript NM_004092.4 (MANE Select); coding-DNA position 713, C replaced by T.
Protein change: p.Ala238Val; replaces alanine 238 with valine.
Molecular consequence: missense variant.
Genome position (GRCh38, 1-based): chr10:133,366,002, G>A on the plus strand (C>T on the coding strand, the complement: ECHS1 is on the minus strand). VCF-style: chr10-133366002-G-A. GRCh37 (hg19) VCF-style: chr10-135179506-G-A.
Other names: short protein forms A238V.
Identifiers: ClinVar variation 972723 (VCV000972723.16), dbSNP rs200584793, ClinGen allele CA5765678.

ClinVar aggregate classification (germline): Pathogenic/Likely pathogenic. Review status: criteria provided, multiple submitters, no conflicts (2 of 4 stars). 9 submissions from 9 submitters: Pathogenic (6); Likely pathogenic (2). 1 of the submissions does not count toward it. Last evaluated 2026-01-26.

Conditions:
Mitochondrial short-chain Enoyl-Coa hydratase 1 deficiency. Also called: Mitochondrial Short-Chain Enoyl-CoA Hydratase Deficiency; PxMD-ECHS1; ECHS1 deficiency. Identifiers: Orphanet 255241, Orphanet 653880, MedGen C4225391, MONDO:0014563, OMIM 616277.
ECHS1-related disorders.

Allele frequency attached by ClinVar (database versions not stated): TOPMed 0.00001; ExAC 0.00002; gnomAD exomes 0.00002.

Submissions (9):

Dasa
Classification: Pathogenic. Last evaluated: 2026-01-26. Review status: criteria provided, single submitter. Criteria: DASA Assertion Criteria. Collection method: clinical testing. Allele origin: germline.
Comment: NM_004092.4(ECHS1):c.713C>T (p.Ala238Val) is a missense variant that results in the substitution of alanine with valine. Segregation evidence has been reported in affected families. This variant has been observed in affected individuals with related phenotype in a genotype context consistent with recessive disease (PMID: 32677093; PMID: 32642440; PMID: 30029642; PMID: 40516471; PMID: 26099313). This variant has been recurrently observed in individuals with related phenotype (PMID: 32677093; PMID: 32642440; PMID: 30029642; PMID: 40516471; PMID: 26099313). The variant is present at low frequency in population datasets. Based on the available data, this variant is classified as pathogenic.

Labcorp Genetics (formerly Invitae), Labcorp
Classification: Pathogenic. Last evaluated: 2025-11-12. Review status: criteria provided, single submitter. Criteria: Invitae Variant Classification Sherloc (09022015). Collection method: clinical testing. Allele origin: germline.
Comment: This sequence change replaces alanine, which is neutral and non-polar, with valine, which is neutral and non-polar, at codon 238 of the ECHS1 protein (p.Ala238Val). This variant is present in population databases (rs200584793, gnomAD 0.004%). This missense change has been observed in individual(s) with mitochondrial short-chain enoyl-CoA hydratase 1 deficiency (PMID: 26099313, 30029642, 32642440, 32677093). In at least one individual the data is consistent with being in trans (on the opposite chromosome) from a pathogenic variant. It has also been observed to segregate with disease in related individuals. ClinVar contains an entry for this variant (Variation ID: 972723). Invitae Evidence Modeling of protein sequence and biophysical properties (such as structural, functional, and spatial information, amino acid conservation, physicochemical variation, residue mobility, and thermodynamic stability) indicates that this missense variant is not expected to disrupt ECHS1 protein function with a negative predictive value of 80%. This variant disrupts the p.Ala238 amino acid residue in ECHS1. Other variant(s) that disrupt this residue have been determined to be pathogenic (internal data). This suggests that this residue is clinically significant, and that variants that disrupt this residue are likely to be disease-causing. For these reasons, this variant has been classified as Pathogenic.

Variantyx, Inc.
Classification: Pathogenic for Mitochondrial short-chain Enoyl-Coa hydratase 1 deficiency. Last evaluated: 2025-09-04. Review status: criteria provided, single submitter. Criteria: Variantyx Assertion Criteria 2022. Collection method: clinical testing. Allele origin: de novo. Inheritance: Autosomal recessive inheritance. Affected: yes.
Comment: This is a nonsynonymous variant in the ECHS1 gene (OMIM: 602292). Pathogenic variants in this gene have been associated with autosomal recessive mitochondrial short-chain enoyl-CoA hydratase 1 deficiency. This variant has been identified in the homozygous or compound heterozygous state in at least 6 individuals reported in the published literature (PMID: 30029642, 32642440, 32677093, 38465286, 36200804, 26099313) (PM3) and it has been observed to segregate with disease in at least 2 individuals from 2 families (PMID: 26099313, 36200804) (PP1). Multiple computational algorithms predict no functional impact for this variant (REVEL score: 0.261) (BP4). This variant has a 0.0017% maximum allele frequency in non-founder control populations (PM2). Based on the current evidence, this variant is classified as pathogenic for autosomal recessive mitochondrial short-chain enoyl-CoA hydratase 1 deficiency.

GeneDx
Classification: Likely pathogenic. Last evaluated: 2024-12-07. Review status: criteria provided, single submitter. Criteria: GeneDx Variant Classification Process June 2021. Collection method: clinical testing. Allele origin: germline. Affected: yes.
Comment: Not observed at significant frequency in large population cohorts (gnomAD); In silico analysis supports that this missense variant has a deleterious effect on protein structure/function; This variant is associated with the following publications: (PMID: 29882869, 26099313, 26920905, 30029642, 29923089, 32020600, 32642440, 32677093, 36200804)

Blueprint Genetics
Classification: Likely pathogenic for ECHS1-related disorders. Last evaluated: 2024-04-21. Review status: criteria provided, single submitter. Criteria: ACMG Guidelines, 2015. Collection method: clinical testing. Allele origin: germline. Affected: yes. Observed: 5 variant alleles.

Mendelics
Classification: Pathogenic for Mitochondrial short-chain Enoyl-Coa hydratase 1 deficiency. Last evaluated: 2022-05-04. Review status: criteria provided, single submitter. Criteria: Mendelics Assertion Criteria 2019. Collection method: clinical testing. Allele origin: germline.

Fulgent Genetics
Classification: Pathogenic for Mitochondrial short-chain Enoyl-Coa hydratase 1 deficiency. Last evaluated: 2021-12-03. Review status: criteria provided, single submitter. Criteria: ACMG Guidelines, 2015. Collection method: clinical testing. Allele origin: unknown.

Genetics and Genomic Medicine Centre, NeuroGen Healthcare, NeuroGen Healthcare
Classification: Pathogenic for Mitochondrial short-chain Enoyl-Coa hydratase 1 deficiency. Last evaluated: 2021-05-06. Review status: criteria provided, single submitter. Criteria: Submitter's publication. Collection method: clinical testing. Allele origin: unknown. Affected: no.

OMIM
Classification: Pathogenic for MITOCHONDRIAL SHORT-CHAIN ENOYL-CoA HYDRATASE 1 DEFICIENCY. Last evaluated: 2020-07-14. Review status: no assertion criteria provided. Collection method: literature only. Allele origin: germline. Not counted in ClinVar's aggregate classification.

Literature cited by the submitters: PubMed 32677093 (cited by 3 submitters); PubMed 32642440 (cited by 3 submitters); PubMed 30029642 (cited by 3 submitters); PubMed 40516471 (cited by Dasa); PubMed 26099313 (cited by 4 submitters); PubMed 38465286 (cited by Variantyx, Inc.); PubMed 36200804 (cited by Variantyx, Inc.).